The following is an entry in ClinVar:

NM_001365536.1(SCN9A):c.4570C>T (p.Leu1524Phe)

Genes: SCN1A-AS1 (SCN1A and SCN9A antisense RNA 1; plus strand), SCN9A (sodium voltage-gated channel alpha subunit 9; minus strand). Cytogenetic location: 2q24.3.
Variant type: single nucleotide variant.
Coding change: c.4570C>T on transcript NM_001365536.1 (MANE Select); coding-DNA position 4570, C replaced by T.
Protein change: p.Leu1524Phe; replaces leucine 1524 with phenylalanine.
Molecular consequence: missense variant.
Genome position (GRCh38, 1-based): chr2:166,204,159, G>A on the plus strand (C>T on the coding strand, the complement: SCN9A is on the minus strand). VCF-style: chr2-166204159-G-A. GRCh37 (hg19) VCF-style: chr2-167060669-G-A.
Other names: c.4537C>T, p.Leu1513Phe (NM_002977.4); short protein forms L1524F, L1513F.
Identifiers: ClinVar variation 1419076 (VCV001419076.6), dbSNP rs1460290939, ClinGen allele CA349057864.

ClinVar aggregate classification (germline): Uncertain significance (1 of 4 stars; one submission).

Conditions:
Generalized epilepsy with febrile seizures plus, type 7 (GEFSP7). Also called: GEFS+, TYPE 7. Identifiers: Orphanet 36387, MedGen C2751778, MONDO:0013470, OMIM 613863.
Neuropathy, hereditary sensory and autonomic, type 2A (HSAN2A). Also called: ACROOSTEOLYSIS, GIACCAI TYPE; ACROOSTEOLYSIS, NEUROGENIC; MORVAN DISEASE; WNK1-Related HSAN2 (HSAN2A); NEUROPATHY, CONGENITAL SENSORY; NEUROPATHY, HEREDITARY SENSORY RADICULAR, AUTOSOMAL RECESSIVE. Identifiers: Orphanet 970, MedGen C2752089, MONDO:0024309, OMIM 201300.

Allele frequency attached by ClinVar (database versions not stated): gnomAD exomes below 0.00001.
gnomAD v4.1: 1 of 1,611,752 alleles (0.000062%); highest among the groups gnomAD compares: African/African-American, 0.0013%; no homozygotes.

Submission:

Labcorp Genetics (formerly Invitae), Labcorp
Classification: Uncertain significance for Neuropathy, hereditary sensory and autonomic, type 2A; Generalized epilepsy with febrile seizures plus, type 7. Last evaluated: 2021-10-20. Review status: criteria provided, single submitter. Criteria: Invitae Variant Classification Sherloc (09022015). Collection method: clinical testing. Allele origin: germline.
Comment: In summary, the available evidence is currently insufficient to determine the role of this variant in disease. Therefore, it has been classified as a Variant of Uncertain Significance. Algorithms developed to predict the effect of missense changes on protein structure and function are either unavailable or do not agree on the potential impact of this missense change (SIFT: "Tolerated"; PolyPhen-2: "Probably Damaging"; Align-GVGD: "Class C0"). This variant has not been reported in the literature in individuals affected with SCN9A-related conditions. This variant is not present in population databases (ExAC no frequency). This sequence change replaces leucine with phenylalanine at codon 1513 of the SCN9A protein (p.Leu1513Phe). The leucine residue is highly conserved and there is a small physicochemical difference between leucine and phenylalanine.